The following is an entry in ClinVar:

NM_001081.4(CUBN):c.8641A>G (p.Thr2881Ala)

Gene: CUBN (cubilin; minus strand). Cytogenetic location: 10p13.
Variant type: single nucleotide variant.
Coding change: c.8641A>G on transcript NM_001081.4 (MANE Select); coding-DNA position 8641, A replaced by G.
Protein change: p.Thr2881Ala; replaces threonine 2881 with alanine.
Molecular consequence: missense variant.
Genome position (GRCh38, 1-based): chr10:16,890,485, T>C on the plus strand (A>G on the coding strand, the complement: CUBN is on the minus strand). VCF-style: chr10-16890485-T-C. GRCh37 (hg19) VCF-style: chr10-16932484-T-C.
Other names: short protein forms T2881A.
Identifiers: ClinVar variation 1927581 (VCV001927581.5), dbSNP rs1840972900, ClinGen allele CA376139118.

ClinVar aggregate classification (germline): Uncertain significance (1 of 4 stars; one submission).

Conditions:
Imerslund-Grasbeck syndrome. Also called: Imerslund-Gräsbeck syndrome; ENTEROCYTE COBALAMIN MALABSORPTION; ENTEROCYTE INTRINSIC FACTOR RECEPTOR, DEFECT OF; PERNICIOUS ANEMIA, JUVENILE, DUE TO SELECTIVE INTESTINAL MALABSORPTION OF VITAMIN B12, WITH PROTEINURIA; Megaloblastic anemia due to inborn errors of metabolism. Identifiers: Orphanet 35858, MedGen C4551825, MONDO:0009853.

Allele frequency attached by ClinVar (database versions not stated): gnomAD exomes below 0.00001; TOPMed 0.00001.
gnomAD v4.1: 1 of 1,614,196 alleles (0.000062%); highest among the groups gnomAD compares: Non-Finnish European, 0.000085%; no homozygotes.

Submission:

Labcorp Genetics (formerly Invitae), Labcorp
Classification: Uncertain significance for Imerslund-Grasbeck syndrome. Last evaluated: 2022-03-09. Review status: criteria provided, single submitter. Criteria: Invitae Variant Classification Sherloc (09022015). Collection method: clinical testing. Allele origin: germline.
Comment: In summary, the available evidence is currently insufficient to determine the role of this variant in disease. Therefore, it has been classified as a Variant of Uncertain Significance. Algorithms developed to predict the effect of missense changes on protein structure and function are either unavailable or do not agree on the potential impact of this missense change (SIFT: "Tolerated"; PolyPhen-2: "Possibly Damaging"; Align-GVGD: "Class C0"). This variant has not been reported in the literature in individuals affected with CUBN-related conditions. This variant is not present in population databases (gnomAD no frequency). This sequence change replaces threonine, which is neutral and polar, with alanine, which is neutral and non-polar, at codon 2881 of the CUBN protein (p.Thr2881Ala).